The following is an entry in ClinVar:

NM_002693.3(POLG):c.921C>G (p.Phe307Leu)

Gene: POLG (DNA polymerase gamma, catalytic subunit; minus strand). Cytogenetic location: 15q26.1.
Variant type: single nucleotide variant.
Coding change: c.921C>G on transcript NM_002693.3 (MANE Select); coding-DNA position 921, C replaced by G.
Protein change: p.Phe307Leu; replaces phenylalanine 307 with leucine.
Molecular consequence: missense variant.
Genome position (GRCh38, 1-based): chr15:89,329,045, G>C on the plus strand (C>G on the coding strand, the complement: POLG is on the minus strand). VCF-style: chr15-89329045-G-C. GRCh37 (hg19) VCF-style: chr15-89872276-G-C.
Other names: c.921C>G, p.Phe307Leu (NM_001126131.2); short protein forms F307L.
Identifiers: ClinVar variation 3636648 (VCV003636648.2).
Genomic context (GRCh38, chr15:89,329,045, plus strand): 5'-CTTTGTGGGGGGCTGGACCTTGTGTTTGCCCTGCTTGGCTGCTATCCACAGACTGCGCTG[G>C]AAGCTGCTTAGCCCTGAGATGGCCATGTGCATGCTCATGGTGTCCAGGAAACGCATGCGG-3'
Protein context (NP_002684.1, residues 297-317): MHMAISGLSS[Phe307Leu]QRSLWIAAKQ

ClinVar aggregate classification (germline): Uncertain significance (1 of 4 stars; one submission).

Conditions:
Progressive sclerosing poliodystrophy (MTDPS4A). Also called: ALPERS PROGRESSIVE INFANTILE POLIODYSTROPHY; NEURONAL DEGENERATION OF CHILDHOOD WITH LIVER DISEASE, PROGRESSIVE; Alpers Syndrome; ALPERS DIFFUSE DEGENERATION OF CEREBRAL GRAY MATTER WITH HEPATIC CIRRHOSIS; Alpers-Huttenlocher Syndrome; Mitochondrial DNA depletion syndrome 4A (Alpers type). Identifiers: Orphanet 726, MedGen C0205710, MONDO:0008758, OMIM 203700.

Submission:

Labcorp Genetics (formerly Invitae), Labcorp
Classification: Uncertain significance for Progressive sclerosing poliodystrophy. Last evaluated: 2024-06-04. Review status: criteria provided, single submitter. Criteria: Invitae Variant Classification Sherloc (09022015). Collection method: clinical testing. Allele origin: germline.
Comment: This sequence change replaces phenylalanine, which is neutral and non-polar, with leucine, which is neutral and non-polar, at codon 307 of the POLG protein (p.Phe307Leu). This variant is not present in population databases (gnomAD no frequency). This variant has not been reported in the literature in individuals affected with POLG-related conditions. Advanced modeling of protein sequence and biophysical properties (such as structural, functional, and spatial information, amino acid conservation, physicochemical variation, residue mobility, and thermodynamic stability) has been performed at Invitae for this missense variant, however the output from this modeling did not meet the statistical confidence thresholds required to predict the impact of this variant on POLG protein function. In summary, the available evidence is currently insufficient to determine the role of this variant in disease. Therefore, it has been classified as a Variant of Uncertain Significance.